The following is an entry in ClinVar:

NM_021267.5(CERS1):c.683G>A (p.Arg228His)

Genes: CERS1 (ceramide synthase 1; minus strand), GDF1 (growth differentiation factor 1; minus strand). Cytogenetic location: 19p13.11.
Variant type: single nucleotide variant.
Coding change: c.683G>A on transcript NM_021267.5 (MANE Select); coding-DNA position 683, G replaced by A.
Protein change: p.Arg228His; replaces arginine 228 with histidine.
Molecular consequence: missense variant. On other transcripts: 5 prime UTR variant (1), intron variant (1).
Genome position (GRCh38, 1-based): chr19:18,880,343, C>T on the plus strand (G>A on the coding strand, the complement: CERS1 is on the minus strand). VCF-style: chr19-18880343-C-T. GRCh37 (hg19) VCF-style: chr19-18991152-C-T.
Other names: c.389G>A, p.Arg130His (NM_001290265.2, NM_001387442.1, NM_001387443.1 and 2 more transcripts); c.683G>A, p.Arg228His (NM_001387439.1, NM_001387440.1, NM_198207.3); c.638G>A, p.Arg213His (NM_001387441.1); c.-640G>A (NM_001492.6); c.-313+3744G>A (NM_001387438.1); short protein forms R130H, R228H, R213H.
Identifiers: ClinVar variation 943122 (VCV000943122.7), dbSNP rs777656031, ClinGen allele CA9318182.

ClinVar aggregate classification (germline): Uncertain significance (1 of 4 stars; one submission).

Conditions:
Progressive myoclonic epilepsy type 8. Identifiers: Orphanet 424027, MedGen C5190825, MONDO:0014545, OMIM 616230.

Allele frequency attached by ClinVar (database versions not stated): TOPMed below 0.00001; ExAC 0.00005.
gnomAD v4.1: 110 of 1,559,496 alleles (0.0071%); highest among the groups gnomAD compares: East Asian, 0.26%; no homozygotes.

Submission:

Labcorp Genetics (formerly Invitae), Labcorp
Classification: Uncertain significance for Progressive myoclonic epilepsy type 8. Last evaluated: 2022-02-04. Review status: criteria provided, single submitter. Criteria: Invitae Variant Classification Sherloc (09022015). Collection method: clinical testing. Allele origin: germline.
Comment: This sequence change replaces arginine, which is basic and polar, with histidine, which is basic and polar, at codon 228 of the CERS1 protein (p.Arg228His). This variant is present in population databases (rs777656031, gnomAD 0.08%). This variant has not been reported in the literature in individuals affected with CERS1-related conditions. ClinVar contains an entry for this variant (Variation ID: 943122). Algorithms developed to predict the effect of missense changes on protein structure and function are either unavailable or do not agree on the potential impact of this missense change (SIFT: "Deleterious"; PolyPhen-2: "Probably Damaging"; Align-GVGD: "Class C0"). In summary, the available evidence is currently insufficient to determine the role of this variant in disease. Therefore, it has been classified as a Variant of Uncertain Significance.